The following is an entry in ClinVar:

NM_014975.3(MAST1):c.3076G>A (p.Glu1026Lys)

Gene: MAST1 (microtubule associated serine/threonine kinase 1; plus strand). Cytogenetic location: 19p13.13.
Variant type: single nucleotide variant.
Coding change: c.3076G>A on transcript NM_014975.3 (MANE Select); coding-DNA position 3076, G replaced by A.
Protein change: p.Glu1026Lys; replaces glutamic acid 1026 with lysine.
Molecular consequence: missense variant.
Genome position (GRCh38, 1-based): chr19:12,870,896, G>A. VCF-style: chr19-12870896-G-A. GRCh37 (hg19) VCF-style: chr19-12981710-G-A.
Other names: short protein forms E1026K.
Identifiers: ClinVar variation 4077211 (VCV004077211.2).

ClinVar aggregate classification (germline): Uncertain significance (1 of 4 stars; one submission).

Submission:

GeneDx
Classification: Uncertain significance. Last evaluated: 2026-02-23. Review status: criteria provided, single submitter. Criteria: GeneDx Variant Classification Process June 2021. Collection method: clinical testing. Allele origin: germline.
Comment: Not observed at significant frequency in large population cohorts (gnomAD); In silico analysis supports that this missense variant has a deleterious effect on protein structure/function; Has not been previously published as pathogenic or benign to our knowledge